The following is an entry in ClinVar:

ClinVar aggregate classification (germline): Uncertain significance (1 of 4 stars; one submission).

gnomAD v4.1: 10 of 1,612,966 alleles (0.00062%); highest among the groups gnomAD compares: South Asian, 0.0022%; no homozygotes.

Submission:

Labcorp Genetics (formerly Invitae), Labcorp
Classification: Uncertain significance. Last evaluated: 2024-12-15. Review status: criteria provided, single submitter. Criteria: Invitae Variant Classification Sherloc (09022015). Collection method: clinical testing. Allele origin: germline.
Comment: This sequence change replaces arginine, which is basic and polar, with histidine, which is basic and polar, at codon 911 of the MYO5B protein (p.Arg911His). The frequency data for this variant in the population databases is considered unreliable, as metrics indicate poor data quality at this position in the gnomAD database. This variant has not been reported in the literature in individuals affected with MYO5B-related conditions. Invitae Evidence Modeling of protein sequence and biophysical properties (such as structural, functional, and spatial information, amino acid conservation, physicochemical variation, residue mobility, and thermodynamic stability) has been performed for this missense variant. However, the output from this modeling did not meet the statistical confidence thresholds required to predict the impact of this variant on MYO5B protein function. In summary, the available evidence is currently insufficient to determine the role of this variant in disease. Therefore, it has been classified as a Variant of Uncertain Significance.

NM_001080467.3(MYO5B):c.2732G>A (p.Arg911His)

Gene: MYO5B (myosin VB; minus strand). Cytogenetic location: 18q21.1.
Variant type: single nucleotide variant.
Coding change: c.2732G>A on transcript NM_001080467.3 (MANE Select); coding-DNA position 2732, G replaced by A.
Protein change: p.Arg911His; replaces arginine 911 with histidine.
Molecular consequence: missense variant.
Genome position (GRCh38, 1-based): chr18:49,902,673, C>T on the plus strand (G>A on the coding strand, the complement: MYO5B is on the minus strand). VCF-style: chr18-49902673-C-T. GRCh37 (hg19) VCF-style: chr18-47429043-C-T.
Other names: short protein forms R911H.
Identifiers: ClinVar variation 3698720 (VCV003698720.1).